The following is an entry in ClinVar:

NM_020699.4(GATAD2B):c.679T>C (p.Ser227Pro)

Gene: GATAD2B (GATA zinc finger domain containing 2B; minus strand). Cytogenetic location: 1q21.3.
Variant type: single nucleotide variant.
Coding change: c.679T>C on transcript NM_020699.4 (MANE Select); coding-DNA position 679, T replaced by C.
Protein change: p.Ser227Pro; replaces serine 227 with proline.
Molecular consequence: missense variant.
Genome position (GRCh38, 1-based): chr1:153,818,090, A>G on the plus strand (T>C on the coding strand, the complement: GATAD2B is on the minus strand). VCF-style: chr1-153818090-A-G. GRCh37 (hg19) VCF-style: chr1-153790566-A-G.
Other names: short protein forms S227P.
Identifiers: ClinVar variation 1449090 (VCV001449090.8), dbSNP rs779574378, ClinGen allele CA1120806.

ClinVar aggregate classification (germline): Uncertain significance (1 of 4 stars; one submission).

Allele frequency attached by ClinVar (database versions not stated): TOPMed below 0.00001; gnomAD exomes 0.00001 and 0.00003; ExAC 0.00004.

Submission:

Labcorp Genetics (formerly Invitae), Labcorp
Classification: Uncertain significance. Last evaluated: 2025-06-09. Review status: criteria provided, single submitter. Criteria: Invitae Variant Classification Sherloc (09022015). Collection method: clinical testing. Allele origin: germline.
Comment: This sequence change replaces serine, which is neutral and polar, with proline, which is neutral and non-polar, at codon 227 of the GATAD2B protein (p.Ser227Pro). This variant is present in population databases (rs779574378, gnomAD 0.02%). This variant has not been reported in the literature in individuals affected with GATAD2B-related conditions. ClinVar contains an entry for this variant (Variation ID: 1449090). Invitae Evidence Modeling of protein sequence and biophysical properties (such as structural, functional, and spatial information, amino acid conservation, physicochemical variation, residue mobility, and thermodynamic stability) indicates that this missense variant is not expected to disrupt GATAD2B protein function with a negative predictive value of 80%. In summary, the available evidence is currently insufficient to determine the role of this variant in disease. Therefore, it has been classified as a Variant of Uncertain Significance.